The following is an entry in ClinVar:

ClinVar aggregate classification (germline): Benign (1 of 4 stars; one submission).

Submission:

Women's Health and Genetics/Laboratory Corporation of America, LabCorp
Classification: Benign. Last evaluated: 2022-06-29. Review status: criteria provided, single submitter. Criteria: LabCorp Variant Classification Summary - May 2015. Collection method: clinical testing. Allele origin: germline.
Comment: Variant summary: GALT c.-1004delT is located in the untranscribed region upstream of the GALT gene region. The variant allele was found at a frequency of 0.0088 in 23774 control chromosomes (gnomAD). The observed variant frequency is approximately 3 fold of the estimated maximal expected allele frequency for a pathogenic variant in GALT causing Galactosemia phenotype (0.0029), strongly suggesting that the variant is benign. To our knowledge, no occurrence of c.-1004delT in individuals affected with Galactosemia and no experimental evidence demonstrating its impact on protein function have been reported. No clinical diagnostic laboratories have submitted clinical-significance assessments for this variant to ClinVar after 2014. Based on the evidence outlined above, the variant was classified as benign.

NM_000155.3(GALT):c.-1004delT

Gene: GALT (galactose-1-phosphate uridylyltransferase; plus strand). Cytogenetic location: 9p13.3.
Variant type: Deletion.
Coding change: c.-1004delT on transcript NM_000155.3; 1004 bases upstream of the start codon, one base deleted (T).
Genome position (GRCh38, 1-based): chr9:34,645,701, T deleted; the last of 16 consecutive T bases (chr9:34,645,686-34,645,701); deleting any one gives the same sequence. VCF-style (leftmost placement, unchanged base first): chr9-34645685-CT-C. GRCh37 (hg19) VCF-style: chr9-34645682-CT-C.
Identifiers: ClinVar variation 1698652 (VCV001698652.1), dbSNP rs201344398, ClinGen allele CA192666473.